The following is an entry in ClinVar:

ClinVar aggregate classification (germline): Pathogenic (1 of 4 stars; one submission).

Conditions:
Hereditary breast ovarian cancer syndrome. Also called: Hereditary breast and ovarian cancer syndrome (HBOC); BRCA1- and BRCA2-Associated Hereditary Breast and Ovarian Cancer; Hereditary breast and ovarian cancer syndrome; Breast and ovarian cancer; Hereditary breast and ovarian cancer; Hereditary breast and/or ovarian cancer syndrome. Identifiers: Orphanet 145, MedGen C0677776, MeSH D061325, MONDO:0003582. Disease mechanism: loss of function.

Submission:

Labcorp Genetics (formerly Invitae), Labcorp
Classification: Pathogenic for Hereditary breast ovarian cancer syndrome. Last evaluated: 2017-11-16. Review status: criteria provided, single submitter. Criteria: Invitae Variant Classification Sherloc (09022015). Collection method: clinical testing. Allele origin: germline.
Comment: This sequence change creates a premature translational stop signal (p.Ala2231Cysfs*2) in the BRCA2 gene. It is expected to result in an absent or disrupted protein product. For these reasons, this variant has been classified as Pathogenic. Loss-of-function variants in BRCA2 are known to be pathogenic (PMID: 20104584). This variant has not been reported in the literature in individuals with BRCA2-related disease. This variant is not present in population databases (ExAC no frequency).

Literature cited by the submitters: PubMed 20104584.

NM_000059.4(BRCA2):c.6690dup (p.Ala2231fs)

Gene: BRCA2 (BRCA2 DNA repair associated; plus strand). Cytogenetic location: 13q13.1.
Variant type: Duplication.
Coding change: c.6690dup on transcript NM_000059.4 (MANE Select); coding-DNA position 6690, one base duplicated (T; older notation c.6690dupT).
Protein change: p.Ala2231fs; shifts the reading frame from alanine 2231.
Molecular consequence: frameshift variant.
Genome position (GRCh38, 1-based): chr13:32,341,045, T duplicated; the last of 2 consecutive T bases (chr13:32,341,044-32,341,045); duplicating either gives the same sequence. VCF-style (leftmost placement, unchanged base first): chr13-32341043-A-AT. GRCh37 (hg19) VCF-style: chr13-32915180-A-AT.
Other names: c.6690dupT (NM_000059.3); short protein forms A2231fs.
Identifiers: ClinVar variation 531364 (VCV000531364.7), dbSNP rs1555284792, ClinGen allele CA658798084.
Genomic context (GRCh38, chr13:32,341,043, plus strand): 5'-GAAGTTTGTTCTACTTACTCCAAAGATTCAGAAAACTACTTTGAAACAGAAGCAGTAGAA[A>AT]TTGCTAAAGCTTTTATGGAAGATGATGAACTGACAGATTCTAAACTGCCAAGTCATGCCA-3'